The following is an entry in ClinVar:

NM_000053.4(ATP7B):c.524_525del (p.Lys175fs)

Gene: ATP7B (ATPase copper transporting beta; minus strand). Cytogenetic location: 13q14.3.
Variant type: Deletion.
Coding change: c.524_525del on transcript NM_000053.4 (MANE Select); coding-DNA positions 524 to 525, 2 bases deleted (AA; older notation c.524_525delAA).
Protein change: p.Lys175fs; shifts the reading frame from lysine 175.
Molecular consequence: frameshift variant.
Genome position (GRCh38, 1-based): chr13:51,974,695-51,974,696, TT deleted on the plus strand (AA on the coding strand, the reverse complement: ATP7B is on the minus strand); deleting any 2 consecutive bases within chr13:51,974,695-51,974,697 gives the same sequence; the c. name uses the placement nearest the transcript's 3' end. VCF-style (leftmost placement, unchanged base first): chr13-51974694-CTT-C. GRCh37 (hg19) VCF-style: chr13-52548830-CTT-C.
Other names: c.524_525del (NM_000053.3); c.524_525del, p.Lys175fs (NM_001005918.3, NM_001243182.2, NM_001330578.2 and 1 more transcripts); c.524_525delAA (NM_000053.4); short protein forms K175fs.
Identifiers: ClinVar variation 188995 (VCV000188995.59), dbSNP rs558037268, ClinGen allele CA274227.
Genomic context (GRCh38, chr13:51,974,694, plus strand): 5'-CTTCGGGCTGAATGAGATAAGGCTGATAAGTGATGACGGCCTCTTGGTTGCTGAGTGAGA[CTT>C]TGACTCTCACTACTCCTTGCAGTTTCCGGACCTTGCCTTCAATGGAGCTGACACAGGACT-3'

ClinVar aggregate classification (germline): Pathogenic/Likely pathogenic. Review status: criteria provided, multiple submitters, no conflicts (2 of 4 stars). 16 submissions from 16 submitters: Pathogenic (13); Likely pathogenic (1). 2 of the submissions do not count toward it. Last evaluated 2026-07-08.

Conditions:
ATP7B-related disorder. Also called: ATP7B-related condition.
Wilson disease (WND). Also called: Wilson's disease. Identifiers: Orphanet 905, MedGen C0019202, MONDO:0010200, OMIM 277900. Disease mechanism: loss of function.

Submissions (16):

PreventionGenetics, part of Exact Sciences
Classification: Pathogenic for ATP7B-related condition. Last evaluated: 2026-07-08. Review status: criteria provided, single submitter. Criteria: ACMG Guidelines, 2015. Collection method: clinical testing. Allele origin: germline.
Comment: The ATP7B c.524_525delAA variant is predicted to result in a frameshift and premature protein termination (p.Lys175Serfs*28). This variant has been reported in individuals with a Wilson disease phenotype (Table 2, Couchonnal et al. 2021. PubMed ID: 34400371; Table 3, Jung et al. 2017. PubMed ID: 27935710; Supplementary File 012 (Table 3), Coffey et al. 2013. PubMed ID: 23518715). This variant has not been reported in gnomAD, indicating it is rare. Frameshift variants in ATP7B are expected to be pathogenic. Taken together, this variant is interpreted as pathogenic.

CeGaT Center for Human Genetics Tuebingen
Classification: Pathogenic. Last evaluated: 2026-03-01. Review status: criteria provided, single submitter. Criteria: CeGaT Center For Human Genetics Tuebingen Variant Classification Criteria Version 2. Collection method: clinical testing. Allele origin: germline. Affected: yes. Observed: 6 variant alleles.
Comment: ATP7B: PVS1, PM2, PM3

GeneDx
Classification: Pathogenic. Last evaluated: 2025-11-12. Review status: criteria provided, single submitter. Criteria: GeneDx Variant Classification Process June 2021. Collection method: clinical testing. Allele origin: germline. Affected: yes.
Comment: Reported previously in a patient with presumed chronic liver disease who also harbored a second pathogenic variant (phase unknown); however, no further clinical information was provided and the authors stated that further workup was needed (PMID: 38057357); Frameshift variant predicted to result in protein truncation or nonsense mediated decay in a gene for which loss of function is a known mechanism of disease; Not observed at significant frequency in large population cohorts (gnomAD); This variant is associated with the following publications: (PMID: 34400371, 39502306, 17680703, 27935710, 23518715, 38057357)

Natera, Inc.
Classification: Pathogenic for Wilson disease. Last evaluated: 2024-11-22. Review status: criteria provided, single submitter. Criteria: Natera Variant Classification Schema (03/2026). Collection method: clinical testing. Allele origin: germline.
Comment: The c.524_525delAA variant in ATP7B is a frameshift variant predicted to shift the reading frame beginning at codon 175 and leads to a stop codon 28 codons downstream. This variant is expected to result in nonsense mediated decay, truncation, or a dysfunctional protein product. This variant is rare in the general population with a frequency below the threshold expected for the associated phenotype(s). This variant has been observed in one or more individuals affected with the associated recessive disease, as either homozygous or compound heterozygous with a second variant (PMID: 30232804). This variant has been found together with another disease-causing variant in the same copy of the gene (PMID: 34400371, 31000363). Given the available evidence, this variant is classified as Pathogenic.

Labcorp Genetics (formerly Invitae), Labcorp
Classification: Pathogenic for Wilson disease. Last evaluated: 2024-08-16. Review status: criteria provided, single submitter. Criteria: Invitae Variant Classification Sherloc (09022015). Collection method: clinical testing. Allele origin: germline.
Comment: This sequence change creates a premature translational stop signal (p.Lys175Serfs*28) in the ATP7B gene. It is expected to result in an absent or disrupted protein product. Loss-of-function variants in ATP7B are known to be pathogenic (PMID: 10441329, 16283883). This variant is not present in population databases (gnomAD no frequency). This premature translational stop signal has been observed in individual(s) with Wilson disease (PMID: 17680703). ClinVar contains an entry for this variant (Variation ID: 188995). For these reasons, this variant has been classified as Pathogenic.

All of Us Research Program, National Institutes of Health
Classification: Pathogenic for Wilson disease. Last evaluated: 2024-07-29. Review status: criteria provided, single submitter. Criteria: ACMG Guidelines, 2015. Collection method: clinical testing. Allele origin: germline. Inheritance: Autosomal recessive inheritance. Observed: 4 variant alleles, 3 heterozygotes, 1 compound heterozygote.
Comment: This variant deletes 2 nucleotides in exon 2/21 of the ATP7B gene, creating a frameshift and premature translation stop signal. This variant is expected to result in an absent or non-functional protein product. This variant has been reported in multiple individuals affected with Wilson disease (PMID: 23518715, 27935710, 34400371). Two of these individuals carried both ATP7B p.Gln260Profs*10 and ATP7B p.Arg778Gly variants in combination with this variant (PMID: 27935710). This variant has not been identified in the general population by the Genome Aggregation Database (gnomAD). Loss of ATP7B function is a known mechanism of disease. Based on the available evidence, this variant is classified as Pathogenic.

This study involves interpretation of variants in research participants for the purpose of population health screening. Participant phenotype was not available at the time of variant classification. Additional details can be found in publication PMID: 35346344, PMCID: PMC8962531

Color Diagnostics, LLC DBA Color Health
Classification: Pathogenic for Wilson disease. Last evaluated: 2024-04-22. Review status: criteria provided, single submitter. Criteria: ACMG Guidelines, 2015. Collection method: clinical testing. Allele origin: germline.
Comment: This variant deletes 2 nucleotides in exon 2 of the ATP7B gene, creating a frameshift and premature translation stop signal. This variant is expected to result in an absent or non-functional protein product. This variant has been reported in multiple individuals affected with Wilson disease (PMID: 23518715, 27935710, 34400371). Two of these individuals carried both ATP7B p.Gln260Profs*10 and ATP7B p.Arg778Gly variants in combination with this variant (PMID: 27935710). This variant has not been identified in the general population by the Genome Aggregation Database (gnomAD). Loss of ATP7B function is a known mechanism of disease. Based on the available evidence, this variant is classified as Pathogenic.

Greenwood Genetic Center Diagnostic Laboratories, Greenwood Genetic Center
Classification: Likely pathogenic for Wilson disease. Last evaluated: 2023-08-23. Review status: criteria provided, single submitter. Criteria: ACMG Guidelines, 2015. Collection method: clinical testing. Allele origin: germline. Affected: yes.
Comment: PVS1, PM2

Women's Health and Genetics/Laboratory Corporation of America, LabCorp
Classification: Pathogenic for Wilson disease. Last evaluated: 2022-08-15. Review status: criteria provided, single submitter. Criteria: LabCorp Variant Classification Summary - May 2015. Collection method: clinical testing. Allele origin: germline.
Comment: Variant summary: ATP7B c.524_525delAA (p.Lys175SerfsX28) results in a premature termination codon, predicted to cause a truncation of the encoded protein or absence of the protein due to nonsense mediated decay, which are commonly known mechanisms for disease. Truncations downstream of this position have been classified as pathogenic by our laboratory. The variant was absent in 249292 control chromosomes (gnomAD). c.524_525delAA has been reported in the literature in individuals affected with Wilson Disease (example, Collin_2007, unpublished abstract and Couchonnal_2021), and has been subsequently cited in the Wilson Disease database and as a non-primary evidence in a published report (Singh_2019). Of note, a different nucleotide change, namely c.525_526delAG, that would result in the same translational impact at the protein level (i.e., p.Lys175SerfsX28) has also been reported (Coffee_2013, Curtis_1999). Other publications in the field do not allow accurate distinction between these two variants due to ambiguously reported annotation's that do not specify the exact nucleotide change. Therefore, these data do not allow a firm conclusion about variant significance. To our knowledge, no experimental evidence demonstrating an impact on protein function has been reported. Six clinical submitters have provided clinical-significance assessments for this variant to ClinVar after 2014 and all classified the variant as pathogenic. Based on the evidence outlined above, the variant was classified as pathogenic.

Mayo Clinic Laboratories, Mayo Clinic
Classification: Pathogenic. Last evaluated: 2021-11-08. Review status: criteria provided, single submitter. Criteria: ACMG Guidelines, 2015. Collection method: clinical testing. Allele origin: germline.
Comment: PM2, PM3, PVS1

Fulgent Genetics
Classification: Pathogenic for Wilson disease. Last evaluated: 2021-09-03. Review status: criteria provided, single submitter. Criteria: ACMG Guidelines, 2015. Collection method: clinical testing. Allele origin: unknown.

Genome-Nilou Lab
Classification: Pathogenic for Wilson disease. Last evaluated: 2021-08-10. Review status: criteria provided, single submitter. Criteria: ACMG Guidelines, 2015. Collection method: clinical testing. Allele origin: germline. Affected: no.

Institute of Medical Genetics and Applied Genomics, University Hospital Tübingen
Classification: Pathogenic. Last evaluated: 2021-02-01. Review status: criteria provided, single submitter. Criteria: ACMG Guidelines, 2015. Collection method: clinical testing. Allele origin: germline. Inheritance: Autosomal recessive inheritance. Affected: yes.

ARUP Laboratories, Molecular Genetics and Genomics, ARUP Laboratories
Classification: Pathogenic for Wilson disease. Last evaluated: 2020-08-21. Review status: criteria provided, single submitter. Criteria: ARUP Molecular Germline Variant Investigation Process. Collection method: clinical testing. Allele origin: germline.
Comment: The ATP7B c.524_525delAA; p.Lys175fs variant (rs558037268) is reported in the literature in an individual affected with Wilson disease (University of Alberta database and references therein). This variant is absent from general population databases (Exome Variant Server, Genome Aggregation Database), indicating it is not a common polymorphism. This variant causes a frameshift by deleting two nucleotides, so it is predicted to result in a truncated protein or mRNA subject to nonsense-mediated decay. Loss-of-function in ATP7B is a known mechanism of disease and truncating variants downstream of c.524_525delAA have been reported in individuals with Wilson disease and are considered pathogenic (University of Alberta database and references therein). Based on available information, the c.524_525delAA variant is considered to be pathogenic. References: University of Alberta Wilson Disease database

Counsyl
Classification: Likely pathogenic for Wilson's disease. Last evaluated: 2014-09-30. Review status: no assertion criteria provided. Collection method: literature only. Allele origin: unknown. Inheritance: Autosomal recessive inheritance. Not counted in ClinVar's aggregate classification.

Genomics And Bioinformatics Analysis Resource, Columbia University
Classification: Pathogenic for Wilson disease. Review status: no assertion criteria provided. Collection method: research. Allele origin: unknown. Affected: yes. Not counted in ClinVar's aggregate classification.
Comment: Compound Heterozygous

Literature cited by the submitters: PubMed 30232804 (cited by Natera, Inc.); PubMed 34400371 (cited by 5 submitters); PubMed 31000363 (cited by Natera, Inc. and Women's Health and Genetics/Laboratory Corporation of America, LabCorp); PubMed 10441329 (cited by Labcorp Genetics (formerly Invitae), Labcorp); PubMed 16283883 (cited by Labcorp Genetics (formerly Invitae), Labcorp); PubMed 17680703 (cited by Labcorp Genetics (formerly Invitae), Labcorp and Mayo Clinic Laboratories, Mayo Clinic); PubMed 23518715 (cited by 4 submitters); PubMed 27935710 (cited by 3 submitters); PubMed 29649982 (cited by Women's Health and Genetics/Laboratory Corporation of America, LabCorp); PubMed 31059521 (cited by Women's Health and Genetics/Laboratory Corporation of America, LabCorp).